The following is an entry in ClinVar:

ClinVar aggregate classification (germline): Uncertain significance. Review status: criteria provided, multiple submitters, no conflicts (2 of 4 stars). 2 submissions from 2 submitters: Uncertain significance (2). Last evaluated 2023-12-05.

gnomAD v4.1: 1 of 1,612,646 alleles (0.000062%); no homozygotes.

Submissions (2):

Revvity Omics, Revvity
Classification: Uncertain significance. Last evaluated: 2023-12-05. Review status: criteria provided, single submitter. Criteria: ACMG Guidelines, 2015. Collection method: clinical testing. Allele origin: germline.

GeneDx
Classification: Uncertain significance. Last evaluated: 2019-05-03. Review status: criteria provided, single submitter. Criteria: GeneDx Variant Classification Process June 2021. Collection method: clinical testing. Allele origin: germline. Affected: yes.
Comment: Has not been previously published as pathogenic or benign to our knowledge; Not observed in large population cohorts (Lek et al., 2016); In silico analysis, which includes splice predictors and evolutionary conservation, supports a deleterious effect

NM_003126.4(SPTA1):c.6600+5G>A

Gene: SPTA1 (spectrin alpha, erythrocytic 1; minus strand). Cytogenetic location: 1q23.1.
Variant type: single nucleotide variant.
Coding change: c.6600+5G>A on transcript NM_003126.4 (MANE Select); 5 bases into the intron after coding-DNA position 6600, G replaced by A.
Molecular consequence: intron variant.
Genome position (GRCh38, 1-based): chr1:158,617,532, C>T on the plus strand (G>A on the coding strand, the complement: SPTA1 is on the minus strand). VCF-style: chr1-158617532-C-T. GRCh37 (hg19) VCF-style: chr1-158587322-C-T.
Identifiers: ClinVar variation 1305429 (VCV001305429.3), dbSNP rs1462060431, ClinGen allele CA2573051399.